The following is an entry in ClinVar:

ClinVar aggregate classification (germline): Uncertain significance (1 of 4 stars; one submission).

Conditions:
Peroxisome biogenesis disorder 5A (Zellweger) (PBD5A). Identifiers: Orphanet 912, MedGen C3553940, MONDO:0013932, OMIM 614866.

Allele frequency attached by ClinVar (database versions not stated): TOPMed below 0.00001.

Submission:

Labcorp Genetics (formerly Invitae), Labcorp
Classification: Uncertain significance for Peroxisome biogenesis disorder 5A (Zellweger). Last evaluated: 2022-02-01. Review status: criteria provided, single submitter. Criteria: Invitae Variant Classification Sherloc (09022015). Collection method: clinical testing. Allele origin: germline.
Comment: This sequence change replaces isoleucine, which is neutral and non-polar, with threonine, which is neutral and polar, at codon 83 of the PEX2 protein (p.Ile83Thr). This variant is not present in population databases (gnomAD no frequency). This variant has not been reported in the literature in individuals affected with PEX2-related conditions. Algorithms developed to predict the effect of missense changes on protein structure and function (SIFT, PolyPhen-2, Align-GVGD) all suggest that this variant is likely to be disruptive. In summary, the available evidence is currently insufficient to determine the role of this variant in disease. Therefore, it has been classified as a Variant of Uncertain Significance.

NM_000318.3(PEX2):c.248T>C (p.Ile83Thr)

Gene: PEX2 (peroxisomal biogenesis factor 2; minus strand). Cytogenetic location: 8q21.13.
Variant type: single nucleotide variant.
Coding change: c.248T>C on transcript NM_000318.3 (MANE Select); coding-DNA position 248, T replaced by C.
Protein change: p.Ile83Thr; replaces isoleucine 83 with threonine.
Molecular consequence: missense variant.
Genome position (GRCh38, 1-based): chr8:76,983,931, A>G on the plus strand (T>C on the coding strand, the complement: PEX2 is on the minus strand). VCF-style: chr8-76983931-A-G. GRCh37 (hg19) VCF-style: chr8-77896167-A-G.
Other names: c.248T>C, p.Ile83Thr (NM_001079867.2, NM_001172086.2, NM_001172087.2); short protein forms I83T.
Identifiers: ClinVar variation 1506983 (VCV001506983.5), dbSNP rs1806923661, ClinGen allele CA371557770.
Genomic context (GRCh38, chr8:76,983,931, plus strand): 5'-TTTTGATTTTTACTGGGTGGCTGATATCTCAGGTTAGGGGAAAAATCATTTTTGTACTTA[A>G]TATTCAAAACTGACTGTCCCACTGTGGCATTTTTGGAGTAGATGGTGAATCTCCACAAGA-3'
Protein context (NP_000309.2, residues 73-93): NATVGQSVLN[Ile83Thr]KYKNDFSPNL